The following is an entry in ClinVar:

ClinVar aggregate classification (germline): Uncertain significance (1 of 4 stars; one submission).

Conditions:
Inborn genetic diseases. Identifiers: MedGen C0950123, MeSH D030342.

gnomAD v4.1: 1 of 1,606,528 alleles (0.000062%); highest among the groups gnomAD compares: East Asian, 0.0022%; no homozygotes.

Submission:

Ambry Genetics
Classification: Uncertain significance for Inborn genetic diseases. Last evaluated: 2025-07-28. Review status: criteria provided, single submitter. Criteria: Ambry Variant Classification Scheme 2023. Collection method: clinical testing. Allele origin: germline.
Comment: The p.V267L variant (also known as c.799G>T), located in coding exon 6 of the KDM1A gene, results from a G to T substitution at nucleotide position 799. The valine at codon 267 is replaced by leucine, an amino acid with highly similar properties. This amino acid position is conserved. In addition, this alteration is predicted to be tolerated by in silico analysis. Based on the available evidence, the clinical significance of this variant remains unclear.

NM_001009999.3(KDM1A):c.799G>T (p.Val267Leu)

Gene: KDM1A (lysine demethylase 1A; plus strand). Cytogenetic location: 1p36.12.
Variant type: single nucleotide variant.
Coding change: c.799G>T on transcript NM_001009999.3 (MANE Select); coding-DNA position 799, G replaced by T.
Protein change: p.Val267Leu; replaces valine 267 with leucine.
Molecular consequence: missense variant.
Genome position (GRCh38, 1-based): chr1:23,055,077, G>T. VCF-style: chr1-23055077-G-T. GRCh37 (hg19) VCF-style: chr1-23381570-G-T.
Other names: c.739G>T, p.Val247Leu (NM_001363654.2, NM_001410763.1, NM_015013.4); c.799G>T, p.Val267Leu (NM_001410762.1); short protein forms V267L, V247L.
Identifiers: ClinVar variation 4091076 (VCV004091076.1).